The following is an entry in ClinVar:

NM_000179.3(MSH6):c.144G>A (p.Ala48=)

Gene: MSH6 (mutS homolog 6; plus strand). Cytogenetic location: 2p16.3.
Variant type: single nucleotide variant.
Coding change: c.144G>A on transcript NM_000179.3 (MANE Select); coding-DNA position 144, G replaced by A.
Protein change: p.Ala48=; no amino-acid change (alanine 48 retained).
Molecular consequence: synonymous variant. On other transcripts: 5 prime UTR variant (1).
Genome position (GRCh38, 1-based): chr2:47,783,377, G>A. VCF-style: chr2-47783377-G-A. GRCh37 (hg19) VCF-style: chr2-48010516-G-A.
Other names: c.144G>A, p.Ala48= (NM_001281492.2); c.-593G>A (NM_001281493.2).
Identifiers: ClinVar variation 819249 (VCV000819249.17), dbSNP rs1572698177, ClinGen allele CA346734925.
Genomic context (GRCh38, chr2:47,783,377, plus strand): 5'-ACGCGAAGGCGGCCGTGCCGCCGCTGCCCCCGGGGCCTCTCCTTCCCCAGGCGGGGATGC[G>A]GCCTGGAGCGAGGCTGGGCCTGGGCCCAGGCCCTTGGCGCGCTCCGCGTCACCGCCCAAG-3'
Protein context (NP_000170.1, residues 38-58): PGASPSPGGD[Ala48=]AWSEAGPGPR

ClinVar aggregate classification (germline): Benign/Likely benign. Review status: criteria provided, multiple submitters, no conflicts (2 of 4 stars). 5 submissions from 5 submitters: Benign (1); Likely benign (4). Last evaluated 2025-06-09.

Conditions:
Hereditary nonpolyposis colorectal neoplasms. Identifiers: MedGen C0009405, MeSH D003123.
Hereditary cancer-predisposing syndrome. Also called: Tumor predisposition; Hereditary neoplastic syndrome; Neoplastic Syndromes, Hereditary; Hereditary Cancer Syndrome. Identifiers: Orphanet 140162, MedGen C0027672, MeSH D009386, MONDO:0015356.
Lynch syndrome 5 (LYNCH5). Also called: Hereditary non-polyposis colorectal cancer, type 5; Colorectal cancer, hereditary nonpolyposis, type 5. Identifiers: Orphanet 144, MedGen C1833477, MONDO:0013710, OMIM 614350. Disease mechanism: loss of function.
Lynch syndrome. Identifiers: Orphanet 144, MedGen C4552100, MONDO:0005835. Disease mechanism: loss of function.

Allele frequency attached by ClinVar (database versions not stated): gnomAD exomes below 0.00001.
gnomAD v4.1: 1 of 1,594,672 alleles (0.000063%); highest among the groups gnomAD compares: Middle Eastern, 0.017%; no homozygotes.

Submissions (5):

Labcorp Genetics (formerly Invitae), Labcorp
Classification: Likely benign for Hereditary nonpolyposis colorectal neoplasms. Last evaluated: 2025-06-09. Review status: criteria provided, single submitter. Criteria: Invitae Variant Classification Sherloc (09022015). Collection method: clinical testing. Allele origin: germline.

Myriad Genetics, Inc.
Classification: Benign for Lynch syndrome 5. Last evaluated: 2024-12-17. Review status: criteria provided, single submitter. Criteria: Myriad Autosomal Dominant, Autosomal Recessive and X-Linked Classification Criteria (2023). Collection method: clinical testing. Allele origin: unknown.
Comment: This variant is considered benign. This variant is a silent/synonymous amino acid change and it is not expected to impact splicing.

All of Us Research Program, National Institutes of Health
Classification: Likely benign for Lynch syndrome. Last evaluated: 2023-10-06. Review status: criteria provided, single submitter. Criteria: ACMG Guidelines, 2015. Collection method: clinical testing. Allele origin: germline. Inheritance: Autosomal dominant inheritance. Observed: 1 variant allele, 1 heterozygote.
Comment: This study involves interpretation of variants in research participants for the purpose of population health screening. Participant phenotype was not available at the time of variant classification. Additional details can be found in publication PMID: 35346344, PMCID: PMC8962531

Ambry Genetics
Classification: Likely benign for Hereditary cancer-predisposing syndrome. Last evaluated: 2019-09-20. Review status: criteria provided, single submitter. Criteria: Ambry Variant Classification Scheme 2023. Collection method: clinical testing. Allele origin: germline.

Color Diagnostics, LLC DBA Color Health
Classification: Likely benign for Hereditary cancer-predisposing syndrome. Last evaluated: 2019-01-02. Review status: criteria provided, single submitter. Criteria: ACMG Guidelines, 2015. Collection method: clinical testing. Allele origin: germline.